The following is an entry in ClinVar:

NM_017617.5(NOTCH1):c.4696C>T (p.Pro1566Ser)

Gene: NOTCH1 (notch receptor 1; minus strand). Cytogenetic location: 9q34.3.
Variant type: single nucleotide variant.
Coding change: c.4696C>T on transcript NM_017617.5 (MANE Select); coding-DNA position 4696, C replaced by T.
Protein change: p.Pro1566Ser; replaces proline 1566 with serine.
Molecular consequence: missense variant.
Genome position (GRCh38, 1-based): chr9:136,504,995, G>A on the plus strand (C>T on the coding strand, the complement: NOTCH1 is on the minus strand). VCF-style: chr9-136504995-G-A. GRCh37 (hg19) VCF-style: chr9-139399447-G-A.
Other names: short protein forms P1566S.
Identifiers: ClinVar variation 2566663 (VCV002566663.4), dbSNP rs868811731, ClinGen allele CA201644033.

ClinVar aggregate classification (germline): Uncertain significance. Review status: criteria provided, multiple submitters, no conflicts (2 of 4 stars). 2 submissions from 2 submitters: Uncertain significance (2). Last evaluated 2025-06-25.

Conditions:
Familial thoracic aortic aneurysm and aortic dissection (TAAD). Also called: Thoracic aortic aneurysms and dissections. Identifiers: Orphanet 91387, MedGen C4707243, MONDO:0019625.

Allele frequency attached by ClinVar (database versions not stated): gnomAD exomes below 0.00001; TOPMed below 0.00001; gnomAD 0.00001.
gnomAD v4.1: 7 of 1,599,530 alleles (0.00044%); highest among the groups gnomAD compares: Middle Eastern, 0.016%; no homozygotes.

Submissions (2):

Ambry Genetics
Classification: Uncertain significance for Familial thoracic aortic aneurysm and aortic dissection. Last evaluated: 2025-06-25. Review status: criteria provided, single submitter. Criteria: Ambry Variant Classification Scheme 2023. Collection method: clinical testing. Allele origin: germline.
Comment: The p.P1566S variant (also known as c.4696C>T), located in coding exon 26 of the NOTCH1 gene, results from a C to T substitution at nucleotide position 4696. The proline at codon 1566 is replaced by serine, an amino acid with similar properties. This amino acid position is highly conserved in available vertebrate species. In addition, the in silico prediction for this alteration is inconclusive. Based on the available evidence, the clinical significance of this variant remains unclear.

Blueprint Genetics
Classification: Uncertain significance. Last evaluated: 2023-12-15. Review status: criteria provided, single submitter. Criteria: ACMG Guidelines, 2015. Collection method: clinical testing. Allele origin: germline.